The following is an entry in ClinVar:

ClinVar aggregate classification (germline): Uncertain significance (1 of 4 stars; one submission).

Conditions:
Atrial fibrillation, familial, 18 (ATFB18). Identifiers: MedGen C4310636, MONDO:0015001, OMIM 617280.

Allele frequency attached by ClinVar (database versions not stated): gnomAD exomes below 0.00001 and 0.00001; TOPMed below 0.00001; gnomAD 0.00001.
gnomAD v4.1: 7 of 1,613,658 alleles (0.00043%); highest among the groups gnomAD compares: Non-Finnish European, 0.00025%; no homozygotes.

Submission:

Labcorp Genetics (formerly Invitae), Labcorp
Classification: Uncertain significance for Atrial fibrillation, familial, 18. Last evaluated: 2025-10-10. Review status: criteria provided, single submitter. Criteria: Invitae Variant Classification Sherloc (09022015). Collection method: clinical testing. Allele origin: germline.
Comment: This sequence change replaces leucine, which is neutral and non-polar, with proline, which is neutral and non-polar, at codon 111 of the MYL4 protein (p.Leu111Pro). This variant is present in population databases (no rsID available, gnomAD 0.01%). This variant has not been reported in the literature in individuals affected with MYL4-related conditions. ClinVar contains an entry for this variant (Variation ID: 1378952). An algorithm developed to predict the effect of missense changes on protein structure and function (PolyPhen-2) suggests that this variant is likely to be disruptive. In summary, the available evidence is currently insufficient to determine the role of this variant in disease. Therefore, it has been classified as a Variant of Uncertain Significance.

NM_002476.2(MYL4):c.332T>C (p.Leu111Pro)

Gene: MYL4 (myosin light chain 4; plus strand). Cytogenetic location: 17q21.32.
Variant type: single nucleotide variant.
Coding change: c.332T>C on transcript NM_002476.2 (MANE Select); coding-DNA position 332, T replaced by C.
Protein change: p.Leu111Pro; replaces leucine 111 with proline.
Molecular consequence: missense variant.
Genome position (GRCh38, 1-based): chr17:47,221,700, T>C. VCF-style: chr17-47221700-T-C. GRCh37 (hg19) VCF-style: chr17-45299066-T-C.
Other names: c.332T>C, p.Leu111Pro (NM_001002841.2); short protein forms L111P.
Identifiers: ClinVar variation 1378952 (VCV001378952.8), dbSNP rs1312335037, ClinGen allele CA400022197.